The following is an entry in ClinVar:

NM_004415.4(DSP):c.7751G>A (p.Ser2584Asn)

Gene: DSP (desmoplakin; plus strand). Cytogenetic location: 6p24.3.
Variant type: single nucleotide variant.
Coding change: c.7751G>A on transcript NM_004415.4 (MANE Select); coding-DNA position 7751, G replaced by A.
Protein change: p.Ser2584Asn; replaces serine 2584 with asparagine.
Molecular consequence: missense variant.
Genome position (GRCh38, 1-based): chr6:7,585,013, G>A. VCF-style: chr6-7585013-G-A. GRCh37 (hg19) VCF-style: chr6-7585246-G-A.
Other names: c.5954G>A, p.Ser1985Asn (NM_001008844.3); c.6422G>A, p.Ser2141Asn (NM_001319034.2); c.7751G>A (NM_004415.3); short protein forms S2141N, S2584N, S1985N.
Identifiers: ClinVar variation 921407 (VCV000921407.7), dbSNP rs1186385876, ClinGen allele CA362693701.

ClinVar aggregate classification (germline): Uncertain significance. Review status: criteria provided, multiple submitters, no conflicts (2 of 4 stars). 4 submissions from 4 submitters: Uncertain significance (4). Last evaluated 2025-02-17.

Conditions:
Cardiovascular phenotype. Identifiers: MedGen CN230736.
Cardiomyopathy (CMYO). Also called: Cardiomyopathies. Identifiers: Orphanet 167848, MedGen C0878544, MONDO:0004994, HP:0001638. Inheritance: Various modes of inheritance.
DSP-related disorder. Also called: DSP-related condition; DSP-related disorders.

Allele frequency attached by ClinVar (database versions not stated): gnomAD 0.00001; TOPMed 0.00001.
gnomAD v4.1: 4 of 1,614,078 alleles (0.00025%); highest among the groups gnomAD compares: Non-Finnish European, 0.00034%; no homozygotes.

Submissions (4):

Molecular Diagnostic Laboratory for Inherited Cardiovascular Disease, Montreal Heart Institute
Classification: Uncertain significance for Cardiovascular phenotype. Last evaluated: 2025-02-17. Review status: criteria provided, single submitter. Criteria: ACMG Guidelines, 2015. Collection method: clinical testing. Allele origin: germline. Affected: yes.

Blueprint Genetics
Classification: Uncertain significance. Last evaluated: 2024-09-19. Review status: criteria provided, single submitter. Criteria: ACMG Guidelines, 2015. Collection method: clinical testing. Allele origin: germline.

Color Diagnostics, LLC DBA Color Health
Classification: Uncertain significance for Cardiomyopathy. Last evaluated: 2024-03-06. Review status: criteria provided, single submitter. Criteria: ACMG Guidelines, 2015. Collection method: clinical testing. Allele origin: germline.
Comment: This missense variant replaces serine with asparagine at codon 2584 of the DSP protein. Computational prediction suggests that this variant may not impact protein structure and function (internally defined REVEL score threshold <= 0.5, PMID: 27666373). To our knowledge, functional studies have not been reported for this variant. This variant has not been reported in individuals affected with cardiovascular disorders in the literature. This variant has been identified in 1/31388 chromosomes in the general population by the Genome Aggregation Database (gnomAD). The available evidence is insufficient to determine the role of this variant in disease conclusively. Therefore, this variant is classified as a Variant of Uncertain Significance.

PreventionGenetics, part of Exact Sciences
Classification: Uncertain significance for DSP-related condition. Last evaluated: 2023-01-27. Review status: criteria provided, single submitter. Criteria: ACMG Guidelines, 2015. Collection method: clinical testing. Allele origin: germline.
Comment: The DSP c.7751G>A variant is predicted to result in the amino acid substitution p.Ser2584Asn. To our knowledge, this variant has not been reported in the literature. This variant is reported in 0.0065% of alleles in individuals of European (Non-Finnish) descent in gnomAD. At this time, the clinical significance of this variant is uncertain due to the absence of conclusive functional and genetic evidence.